The following is an entry in ClinVar:

ClinVar aggregate classification (germline): Pathogenic (1 of 4 stars; one submission).

Submission:

ISCA site 4
Classification: Pathogenic. Last evaluated: 2011-08-12. Review status: criteria provided, single submitter. Criteria: Kaminsky et al. (Genet Med. 2011). Collection method: clinical testing. Allele origin: unknown. Affected: yes. Observed: 1 variant allele.
Comment: Copy number variation identified through the course of routine clinical cytogenomic testing in postnatal populations. Clinical assertions have been curated as described in Kaminsky et al. 2011.

GRCh38/hg38 5p15.33(chr5:22149-1826256)x1

Genes: AHRR (aryl hydrocarbon receptor repressor; plus strand), BRD9 (bromodomain containing 9; minus strand), CCDC127 (coiled-coil domain containing 127; minus strand), CEP72 (centrosomal protein 72), CEP72-DT (CEP72 divergent transcript) and 147 more. Cytogenetic location: 5p15.33.
Variant type: copy number loss.
Change: copy number 1 (one copy instead of two) of chr5:22,149-1,826,256 (1.80 Mb, GRCh38 coordinates, 1-based), cytogenetic band 5p15.33.
Identifiers: ClinVar variation 57057 (VCV000057057.1).